The following is an entry in ClinVar:

ClinVar aggregate classification (germline): Uncertain significance (1 of 4 stars; one submission).

Allele frequency attached by ClinVar (database versions not stated): gnomAD 0.00001; TOPMed 0.00002; ESP Exome Variant Server 0.00008.
gnomAD v4.1: 1 of 1,613,912 alleles (0.000062%); highest among the groups gnomAD compares: African/African-American, 0.0013%; no homozygotes.

Submission:

Labcorp Genetics (formerly Invitae), Labcorp
Classification: Uncertain significance. Last evaluated: 2023-12-23. Review status: criteria provided, single submitter. Criteria: Invitae Variant Classification Sherloc (09022015). Collection method: clinical testing. Allele origin: germline.
Comment: This sequence change replaces glutamine, which is neutral and polar, with lysine, which is basic and polar, at codon 1388 of the SNRNP200 protein (p.Gln1388Lys). This variant is not present in population databases (gnomAD no frequency). This variant has not been reported in the literature in individuals affected with SNRNP200-related conditions. An algorithm developed to predict the effect of missense changes on protein structure and function (PolyPhen-2) suggests that this variant is likely to be tolerated. In summary, the available evidence is currently insufficient to determine the role of this variant in disease. Therefore, it has been classified as a Variant of Uncertain Significance.

NM_014014.5(SNRNP200):c.4162C>A (p.Gln1388Lys)

Gene: SNRNP200 (small nuclear ribonucleoprotein U5 subunit 200; minus strand). Cytogenetic location: 2q11.2.
Variant type: single nucleotide variant.
Coding change: c.4162C>A on transcript NM_014014.5 (MANE Select); coding-DNA position 4162, C replaced by A.
Protein change: p.Gln1388Lys; replaces glutamine 1388 with lysine.
Molecular consequence: missense variant.
Genome position (GRCh38, 1-based): chr2:96,285,182, G>T on the plus strand (C>A on the coding strand, the complement: SNRNP200 is on the minus strand). VCF-style: chr2-96285182-G-T. GRCh37 (hg19) VCF-style: chr2-96950920-G-T.
Other names: short protein forms Q1388K.
Identifiers: ClinVar variation 2880007 (VCV002880007.3), dbSNP rs147326844, ClinGen allele CA52392968.